The following is an entry in ClinVar:

ClinVar aggregate classification (germline): Uncertain significance (1 of 4 stars; one submission).

Conditions:
Cardiovascular phenotype. Identifiers: MedGen CN230736.

Submission:

Ambry Genetics
Classification: Uncertain significance for Cardiovascular phenotype. Last evaluated: 2025-05-27. Review status: criteria provided, single submitter. Criteria: Ambry Variant Classification Scheme 2023. Collection method: clinical testing. Allele origin: germline.
Comment: The p.R336L variant (also known as c.1007G>T), located in coding exon 2 of the JPH2 gene, results from a G to T substitution at nucleotide position 1007. The arginine at codon 336 is replaced by leucine, an amino acid with dissimilar properties. This amino acid position is conserved. In addition, this alteration is predicted to be tolerated by in silico analysis. Based on the available evidence, the clinical significance of this variant remains unclear.

NM_020433.5(JPH2):c.1007G>T (p.Arg336Leu)

Gene: JPH2 (junctophilin 2; minus strand). Cytogenetic location: 20q13.12.
Variant type: single nucleotide variant.
Coding change: c.1007G>T on transcript NM_020433.5 (MANE Select); coding-DNA position 1007, G replaced by T.
Protein change: p.Arg336Leu; replaces arginine 336 with leucine.
Molecular consequence: missense variant.
Genome position (GRCh38, 1-based): chr20:44,159,780, C>A on the plus strand (G>T on the coding strand, the complement: JPH2 is on the minus strand). VCF-style: chr20-44159780-C-A. GRCh37 (hg19) VCF-style: chr20-42788420-C-A.
Other names: short protein forms R336L.
Identifiers: ClinVar variation 4040912 (VCV004040912.1).
Genomic context (GRCh38, chr20:44,159,780, plus strand): 5'-TGCAGCATGCGGCGCTTGGTGTCCTTGACCAGCACGTTGTGGCGGTACTTGCCCTCCTCG[C>A]GGTGGCCGTCGGGCAGCGTGGTGCAGCCATAGCCGTGGCGCAGGTTGTCCAGCCACTCGC-3'
Protein context (NP_065166.2, residues 326-346): YGCTTLPDGH[Arg336Leu]EEGKYRHNVL